The following is an entry in ClinVar:

ClinVar aggregate classification (germline): Uncertain significance (1 of 4 stars; one submission).

Allele frequency attached by ClinVar (database versions not stated): TOPMed below 0.00001; gnomAD 0.00001.
gnomAD v4.1: 1 of 1,580,444 alleles (0.000063%); highest among the groups gnomAD compares: Non-Finnish European, 0.000085%; no homozygotes.

Submission:

Labcorp Genetics (formerly Invitae), Labcorp
Classification: Uncertain significance. Last evaluated: 2024-06-20. Review status: criteria provided, single submitter. Criteria: Invitae Variant Classification Sherloc (09022015). Collection method: clinical testing. Allele origin: germline.
Comment: This sequence change replaces alanine, which is neutral and non-polar, with proline, which is neutral and non-polar, at codon 262 of the THBD protein (p.Ala262Pro). This variant is not present in population databases (gnomAD no frequency). This variant has not been reported in the literature in individuals affected with THBD-related conditions. Advanced modeling of protein sequence and biophysical properties (such as structural, functional, and spatial information, amino acid conservation, physicochemical variation, residue mobility, and thermodynamic stability) performed at Invitae indicates that this missense variant is not expected to disrupt THBD protein function with a negative predictive value of 80%. In summary, the available evidence is currently insufficient to determine the role of this variant in disease. Therefore, it has been classified as a Variant of Uncertain Significance.

NM_000361.3(THBD):c.784G>C (p.Ala262Pro)

Gene: THBD (thrombomodulin; minus strand). Cytogenetic location: 20p11.21.
Variant type: single nucleotide variant.
Coding change: c.784G>C on transcript NM_000361.3 (MANE Select); coding-DNA position 784, G replaced by C.
Protein change: p.Ala262Pro; replaces alanine 262 with proline.
Molecular consequence: missense variant.
Genome position (GRCh38, 1-based): chr20:23,048,721, C>G on the plus strand (G>C on the coding strand, the complement: THBD is on the minus strand). VCF-style: chr20-23048721-C-G. GRCh37 (hg19) VCF-style: chr20-23029358-C-G.
Other names: short protein forms A262P.
Identifiers: ClinVar variation 2878900 (VCV002878900.3), dbSNP rs1250473764, ClinGen allele CA408406948.